The following is an entry in ClinVar:

ClinVar aggregate classification (germline): Uncertain significance (1 of 4 stars; one submission).

Allele frequency attached by ClinVar (database versions not stated): gnomAD exomes below 0.00001.
gnomAD v4.1: 1 of 1,612,836 alleles (0.000062%); highest among the groups gnomAD compares: Non-Finnish European, 0.000085%; no homozygotes.

Submission:

GeneDx
Classification: Uncertain significance. Last evaluated: 2014-01-10. Review status: criteria provided, single submitter. Criteria: GeneDx Variant Classification (06012015). Collection method: clinical testing. Allele origin: germline. Affected: yes.
Comment: This variant is denoted CHEK2 c.1293G>T at the cDNA level, p.Arg431Ser (R431S) at the protein level, and results in the change of an Arginine to a Serine (AGG>AGT) in exon 12. This variant has not, to our knowledge, been published in the literature as either a mutation or a benign polymorphism. CHEK2 Arg431Ser was not observed in approximately 6,500 individuals of European and African American ancestry in the NHLBI Exome Variant Server, indicating it is not a common benign variant in these populations. This variant is a semi-conservative substitution in which a positive polar amino acid is replaced with a neutral polar one, altering a position that is not well conserved throughout evolution and is located in the protein kinase domain. In silico analyses predict this variant to have a benign effect on protein structure and function. Based on currently available information, it is unclear whether CHEK2 Arg431Ser is a pathogenic mutation or a benign variant. This variant has been seen apparently mosaic. The variant is found in HEREDICANCER panel(s).

NM_007194.4(CHEK2):c.1293G>T (p.Arg431Ser)

Gene: CHEK2 (checkpoint kinase 2; minus strand). Cytogenetic location: 22q12.1.
Variant type: single nucleotide variant.
Coding change: c.1293G>T on transcript NM_007194.4 (MANE Select); coding-DNA position 1293, G replaced by T.
Protein change: p.Arg431Ser; replaces arginine 431 with serine.
Molecular consequence: missense variant.
Genome position (GRCh38, 1-based): chr22:28,695,209, C>A on the plus strand (G>T on the coding strand, the complement: CHEK2 is on the minus strand). VCF-style: chr22-28695209-C-A. GRCh37 (hg19) VCF-style: chr22-29091197-C-A.
Other names: p.R431S:AGG>AGT; c.1422G>T, p.Arg474Ser (NM_001005735.3); c.630G>T, p.Arg210Ser (NM_001257387.3); c.1092G>T, p.Arg364Ser (NM_001349956.3); c.1206G>T, p.Arg402Ser (NM_145862.3); short protein forms R431S, R402S, R210S, R364S, R474S.
Identifiers: ClinVar variation 128055 (VCV000128055.2), dbSNP rs587780175, ClinGen allele CA288274.